The following is an entry in ClinVar:

NM_181882.3(PRX):c.551C>G (p.Ala184Gly)

Gene: PRX (periaxin; minus strand). Cytogenetic location: 19q13.2.
Variant type: single nucleotide variant.
Coding change: c.551C>G on transcript NM_181882.3 (MANE Select); coding-DNA position 551, C replaced by G.
Protein change: p.Ala184Gly; replaces alanine 184 with glycine.
Molecular consequence: missense variant. On other transcripts: 3 prime UTR variant (1).
Genome position (GRCh38, 1-based): chr19:40,397,801, G>C on the plus strand (C>G on the coding strand, the complement: PRX is on the minus strand). VCF-style: chr19-40397801-G-C. GRCh37 (hg19) VCF-style: chr19-40903708-G-C.
Other names: c.551C>G (NM_181882.2); c.*756C>G (NM_020956.2); short protein forms A184G.
Identifiers: ClinVar variation 1486806 (VCV001486806.7), dbSNP rs951064135, ClinGen allele CA308421829.

ClinVar aggregate classification (germline): Uncertain significance. Review status: criteria provided, multiple submitters, no conflicts (2 of 4 stars). 2 submissions from 2 submitters: Uncertain significance (2). Last evaluated 2024-10-29.

Conditions:
Inborn genetic diseases. Identifiers: MedGen C0950123, MeSH D030342.
Charcot-Marie-Tooth disease type 4. Also called: Charcot-Marie-Tooth disease, type IV; Charcot-Marie-Tooth, Type 4. Identifiers: Orphanet 64749, MedGen C4082197, MONDO:0018995.

Allele frequency attached by ClinVar (database versions not stated): TOPMed below 0.00001.

Submissions (2):

Ambry Genetics
Classification: Uncertain significance for Inborn genetic diseases. Last evaluated: 2024-10-29. Review status: criteria provided, single submitter. Criteria: Ambry Variant Classification Scheme 2023. Collection method: clinical testing. Allele origin: germline.

Labcorp Genetics (formerly Invitae), Labcorp
Classification: Uncertain significance for Charcot-Marie-Tooth disease type 4. Last evaluated: 2023-05-22. Review status: criteria provided, single submitter. Criteria: Invitae Variant Classification Sherloc (09022015). Collection method: clinical testing. Allele origin: germline.
Comment: In summary, the available evidence is currently insufficient to determine the role of this variant in disease. Therefore, it has been classified as a Variant of Uncertain Significance. This sequence change replaces alanine, which is neutral and non-polar, with glycine, which is neutral and non-polar, at codon 184 of the PRX protein (p.Ala184Gly). This variant is present in population databases (no rsID available, gnomAD 0.007%). This variant has not been reported in the literature in individuals affected with PRX-related conditions. ClinVar contains an entry for this variant (Variation ID: 1486806). An algorithm developed to predict the effect of missense changes on protein structure and function (PolyPhen-2) suggests that this variant is likely to be disruptive.